The following is an entry in ClinVar:

NM_001005242.3(PKP2):c.328A>G (p.Met110Val)

Gene: PKP2 (plakophilin 2; minus strand). Cytogenetic location: 12p11.21.
Variant type: single nucleotide variant.
Coding change: c.328A>G on transcript NM_001005242.3 (MANE Select); coding-DNA position 328, A replaced by G.
Protein change: p.Met110Val; replaces methionine 110 with valine.
Molecular consequence: missense variant. On other transcripts: initiator codon variant (4).
Genome position (GRCh38, 1-based): chr12:32,878,928, T>C on the plus strand (A>G on the coding strand, the complement: PKP2 is on the minus strand). VCF-style: chr12-32878928-T-C. GRCh37 (hg19) VCF-style: chr12-33031862-T-C.
Other names: c.328A>G, p.Met110Val (NM_001407155.1, NM_001407156.1, NM_001407157.1 and 2 more transcripts); c.1A>G, p.Met1Val (NM_001407158.1, NM_001407159.1, NM_001407160.1 and 1 more transcripts); short protein forms M1V, M110V.
Identifiers: ClinVar variation 2496209 (VCV002496209.6), dbSNP rs2541344445, ClinGen allele CA384366356.

ClinVar aggregate classification (germline): Uncertain significance. Review status: criteria provided, multiple submitters, no conflicts (2 of 4 stars). 2 submissions from 2 submitters: Uncertain significance (2). Last evaluated 2026-09-11.

Conditions:
Cardiomyopathy (CMYO). Also called: Cardiomyopathies. Identifiers: Orphanet 167848, MedGen C0878544, MONDO:0004994, HP:0001638. Inheritance: Various modes of inheritance.
Cardiovascular phenotype. Identifiers: MedGen CN230736.

Allele frequency attached by ClinVar (database versions not stated): gnomAD exomes below 0.00001.

Submissions (2):

Ambry Genetics
Classification: Uncertain significance for Cardiovascular phenotype. Last evaluated: 2026-09-11. Review status: criteria provided, single submitter. Criteria: Ambry Variant Classification Scheme 2023. Collection method: clinical testing. Allele origin: germline.
Comment: The p.M110V variant (also known as c.328A>G), located in coding exon 2 of the PKP2 gene, results from an A to G substitution at nucleotide position 328. The methionine at codon 110 is replaced by valine, an amino acid with highly similar properties. This amino acid position is conserved. In addition, this alteration is predicted to be tolerated by in silico analysis. Based on the available evidence, the clinical significance of this variant remains unclear.

Color Diagnostics, LLC DBA Color Health
Classification: Uncertain significance for Cardiomyopathy. Last evaluated: 2024-03-07. Review status: criteria provided, single submitter. Criteria: ACMG Guidelines, 2015. Collection method: clinical testing. Allele origin: germline.
Comment: This missense variant replaces methionine with valine at codon 110 of the PKP2 protein. Computational prediction suggests that this variant may not impact protein structure and function (internally defined REVEL score threshold <= 0.5, PMID: 27666373). To our knowledge, functional studies have not been reported for this variant. This variant has not been reported in individuals affected with cardiovascular disorders in the literature. This variant has not been identified in the general population by the Genome Aggregation Database (gnomAD). The available evidence is insufficient to determine the role of this variant in disease conclusively. Therefore, this variant is classified as a Variant of Uncertain Significance.